The following is an entry in ClinVar:

NM_000049.4(ASPA):c.637A>G (p.Lys213Glu)

Genes: ASPA (aspartoacylase; plus strand), SPATA22 (spermatogenesis associated 22; minus strand). Cytogenetic location: 17p13.2.
Variant type: single nucleotide variant.
Coding change: c.637A>G on transcript NM_000049.4 (MANE Select); coding-DNA position 637, A replaced by G.
Protein change: p.Lys213Glu; replaces lysine 213 with glutamic acid.
Molecular consequence: missense variant. On other transcripts: intron variant (2).
Genome position (GRCh38, 1-based): chr17:3,494,352, A>G. VCF-style: chr17-3494352-A-G. GRCh37 (hg19) VCF-style: chr17-3397646-A-G.
Other names: c.637A>G, p.Lys213Glu (NM_001128085.1); c.-74+19060T>C (NM_001321336.2, NM_001321337.2); short protein forms K213E.
Identifiers: ClinVar variation 699687 (VCV000699687.51), dbSNP rs528179434, ClinGen allele CA8289002.
Genomic context (GRCh38, chr17:3,494,352, plus strand): 5'-CCACACCCGGCCCAGAGATGTTTTTAGTTGCCATTGATACATATTGTTTTTGTCATAGGA[A>G]AAGAATTTCCTCCCTGCGCCATTGAGGTCTATAAAATTATAGAGAAAGTTGATTACCCCC-3'
Protein context (NP_000040.1, residues 203-223): LDFIHHFNEG[Lys213Glu]EFPPCAIEVY

ClinVar aggregate classification (germline): Conflicting classifications of pathogenicity. Review status: criteria provided, conflicting classifications (1 of 4 stars). 6 submissions from 6 submitters: Uncertain significance (5); Likely benign (1). Last evaluated 2026-02-10.

Conditions:
Spongy degeneration of central nervous system. Also called: Von Bogaert-Bertrand disease; ACY2 DEFICIENCY; AMINOACYLASE 2 DEFICIENCY; ASP DEFICIENCY; ASPA DEFICIENCY; ASPARTOACYLASE DEFICIENCY. Identifiers: Orphanet 141, MedGen C0206307, MONDO:0010079, OMIM 271900.

Allele frequency attached by ClinVar (database versions not stated): ExAC 0.00030; gnomAD 0.00001 and 0.00009; 1000 Genomes Project 30x 0.00031; TOPMed 0.00002; gnomAD exomes 0.00012 and 0.00022; 1000 Genomes Project 0.00040.
gnomAD v4.1: 179 of 1,605,666 alleles (0.011%); highest among the groups gnomAD compares: South Asian, 0.18%; no homozygotes.

Submissions (6):

GeneDx
Classification: Uncertain significance. Last evaluated: 2026-02-10. Review status: criteria provided, single submitter. Criteria: GeneDx Variant Classification Process June 2021. Collection method: clinical testing. Allele origin: germline.
Comment: Identified homozygous in an individual with a biochemical diagnosis of Canavan disease and mild clinical symptoms who also was homozygous for an ASPA pathogenic variant (PMID: 16138249); Published functional studies demonstrate a damaging effect (reduced enzyme activity, thermal stability and reduced conformational stability) (PMID: 22850825); In silico analysis suggests that this missense variant does not alter protein structure/function; This variant is associated with the following publications: (PMID: 25003821, 38582917, 38740822, 22850825, 39628365, 16138249, 40656657)

Labcorp Genetics (formerly Invitae), Labcorp
Classification: Likely benign for Spongy degeneration of central nervous system. Last evaluated: 2026-01-28. Review status: criteria provided, single submitter. Criteria: Invitae Variant Classification Sherloc (09022015). Collection method: clinical testing. Allele origin: germline.

Blueprint Genetics
Classification: Uncertain significance. Last evaluated: 2023-12-28. Review status: criteria provided, single submitter. Criteria: ACMG Guidelines, 2015. Collection method: clinical testing. Allele origin: germline.

Women's Health and Genetics/Laboratory Corporation of America, LabCorp
Classification: Uncertain significance. Last evaluated: 2022-12-27. Review status: criteria provided, single submitter. Criteria: LabCorp Variant Classification Summary - May 2015. Collection method: clinical testing. Allele origin: germline.
Comment: Variant summary: ASPA c.637A>G (p.Lys213Glu) results in a conservative amino acid change in the encoded protein sequence. Three of five in-silico tools predict a benign effect of the variant on protein function. 4/4 computational tools predict no significant impact on normal splicing. The variant allele was found at a frequency of 0.00022 in 251466 control chromosomes, predominantly at a frequency of 0.0017 within the South Asian subpopulation in the gnomAD database. This frequency is not higher than predicted for a pathogenic variant in ASPA causing Canavan Disease (0.00022 vs 0.0079), allowing no conclusion about variant significance. c.637A>G has been reported in the literature in an individual affected with Canavan Disease, however this individual was homozygous for p.K213E and a known pathogenic variant c.820G>A (p.Gly274Arg) (Tacke_2005). One publication reports experimental evidence evaluating an impact on protein function. These results showed K213E mutant protein expression and activity was similar to wild-type (Hershfield_2007). Three clinical diagnostic laboratories have submitted clinical-significance assessments for this variant to ClinVar after 2014 and classified the variant as VUS and likely benign. Based on the evidence outlined above, the variant was classified as VUS-possibly benign.

Genome-Nilou Lab
Classification: Uncertain significance for Spongy degeneration of central nervous system. Last evaluated: 2021-11-07. Review status: criteria provided, single submitter. Criteria: ACMG Guidelines, 2015. Collection method: clinical testing. Allele origin: germline. Affected: no.

CeGaT Center for Human Genetics Tuebingen
Classification: Uncertain significance. Last evaluated: 2018-06-01. Review status: criteria provided, single submitter. Criteria: CeGaT Center For Human Genetics Tuebingen Variant Classification Criteria Version 2. Collection method: clinical testing. Allele origin: germline. Affected: yes. Observed: 1 variant allele.

Literature cited by the submitters: PubMed 22850825 (cited by Women's Health and Genetics/Laboratory Corporation of America, LabCorp); PubMed 16138249 (cited by Women's Health and Genetics/Laboratory Corporation of America, LabCorp); PubMed 17391648 (cited by Women's Health and Genetics/Laboratory Corporation of America, LabCorp).